The following is an entry in ClinVar:

ClinVar aggregate classification (germline): Uncertain significance (1 of 4 stars; one submission).

Allele frequency attached by ClinVar (database versions not stated): ExAC 0.00001; gnomAD 0.00001 and 0.00002; gnomAD exomes 0.00001 and 0.00002; TOPMed 0.00005.
gnomAD v4.1: 18 of 1,614,018 alleles (0.0011%); highest among the groups gnomAD compares: African/African-American, 0.004%; no homozygotes.

Submission:

GeneDx
Classification: Uncertain significance. Last evaluated: 2022-02-11. Review status: criteria provided, single submitter. Criteria: GeneDx Variant Classification Process June 2021. Collection method: clinical testing. Allele origin: germline. Affected: yes.
Comment: In silico analysis supports that this missense variant has a deleterious effect on protein structure/function; Has not been previously published as pathogenic or benign to our knowledge

NM_007289.4(MME):c.265G>A (p.Gly89Arg)

Gene: MME (membrane metalloendopeptidase; plus strand). Cytogenetic location: 3q25.2.
Variant type: single nucleotide variant.
Coding change: c.265G>A on transcript NM_007289.4 (MANE Select); coding-DNA position 265, G replaced by A.
Protein change: p.Gly89Arg; replaces glycine 89 with arginine.
Molecular consequence: missense variant.
Genome position (GRCh38, 1-based): chr3:155,115,062, G>A. VCF-style: chr3-155115062-G-A. GRCh37 (hg19) VCF-style: chr3-154832851-G-A.
Other names: c.265G>A, p.Gly89Arg (NM_000902.5, NM_001354642.2, NM_001354643.1 and 2 more transcripts); short protein forms G89R.
Identifiers: ClinVar variation 1700953 (VCV001700953.2), dbSNP rs748751413, ClinGen allele CA2675089.